The following is an entry in ClinVar:

NM_006767.4(LZTR1):c.1802T>C (p.Phe601Ser)

Gene: LZTR1 (leucine zipper like post translational regulator 1; plus strand). Cytogenetic location: 22q11.21.
Variant type: single nucleotide variant.
Coding change: c.1802T>C on transcript NM_006767.4 (MANE Select); coding-DNA position 1802, T replaced by C.
Protein change: p.Phe601Ser; replaces phenylalanine 601 with serine.
Molecular consequence: missense variant.
Genome position (GRCh38, 1-based): chr22:20,994,886, T>C. VCF-style: chr22-20994886-T-C. GRCh37 (hg19) VCF-style: chr22-21349175-T-C.
Other names: short protein forms F601S.
Identifiers: ClinVar variation 1780432 (VCV001780432.4), dbSNP rs147714157, ClinGen allele CA322270035.

ClinVar aggregate classification (germline): Uncertain significance. Review status: criteria provided, multiple submitters, no conflicts (2 of 4 stars). 2 submissions from 2 submitters: Uncertain significance (2). Last evaluated 2026-01-19.

Conditions:
Hereditary cancer-predisposing syndrome. Also called: Neoplastic Syndromes, Hereditary; Tumor predisposition; Hereditary Cancer Syndrome; Hereditary neoplastic syndrome. Identifiers: Orphanet 140162, MedGen C0027672, MeSH D009386, MONDO:0015356.
Cardiovascular phenotype. Identifiers: MedGen CN230736.

Allele frequency attached by ClinVar (database versions not stated): gnomAD 0.00001; TOPMed 0.00002; ESP Exome Variant Server 0.00008.
gnomAD v4.1: 2 of 1,613,268 alleles (0.00012%); highest among the groups gnomAD compares: African/African-American, 0.0027%; no homozygotes.

Submissions (2):

Labcorp Genetics (formerly Invitae), Labcorp
Classification: Uncertain significance. Last evaluated: 2026-01-19. Review status: criteria provided, single submitter. Criteria: Invitae Variant Classification Sherloc (09022015). Collection method: clinical testing. Allele origin: germline.
Comment: This sequence change replaces phenylalanine, which is neutral and non-polar, with serine, which is neutral and polar, at codon 601 of the LZTR1 protein (p.Phe601Ser). This variant is not present in population databases (gnomAD no frequency). This variant has not been reported in the literature in individuals affected with LZTR1-related conditions. ClinVar contains an entry for this variant (Variation ID: 1780432). Invitae Evidence Modeling of protein sequence and biophysical properties (such as structural, functional, and spatial information, amino acid conservation, physicochemical variation, residue mobility, and thermodynamic stability) indicates that this missense variant is not expected to disrupt LZTR1 protein function with a negative predictive value of 80%. In summary, the available evidence is currently insufficient to determine the role of this variant in disease. Therefore, it has been classified as a Variant of Uncertain Significance.

Ambry Genetics
Classification: Uncertain significance for Cardiovascular phenotype; Hereditary cancer-predisposing syndrome. Last evaluated: 2024-02-25. Review status: criteria provided, single submitter. Criteria: Ambry Variant Classification Scheme 2023. Collection method: clinical testing. Allele origin: germline.
Comment: The p.F601S variant (also known as c.1802T>C), located in coding exon 16 of the LZTR1 gene, results from a T to C substitution at nucleotide position 1802. The phenylalanine at codon 601 is replaced by serine, an amino acid with highly dissimilar properties. This amino acid position is highly conserved in available vertebrate species. In addition, this alteration is predicted to be deleterious by in silico analysis. Based on the available evidence, the clinical significance of this alteration remains unclear.